The following is an entry in ClinVar:

ClinVar aggregate classification (germline): Uncertain significance (1 of 4 stars; one submission).

Conditions:
Cystic fibrosis (CF). Also called: MUCOVISCIDOSIS. Identifiers: Orphanet 586, MedGen C0010674, MONDO:0009061, OMIM 219700. Disease mechanism: loss of function.

Allele frequency attached by ClinVar (database versions not stated): ExAC 0.00001.
gnomAD v4.1: 4 of 1,609,534 alleles (0.00025%); highest among the groups gnomAD compares: South Asian, 0.0044%; no homozygotes.

Submission:

Labcorp Genetics (formerly Invitae), Labcorp
Classification: Uncertain significance for Cystic fibrosis. Last evaluated: 2023-06-04. Review status: criteria provided, single submitter. Criteria: Invitae Variant Classification Sherloc (09022015). Collection method: clinical testing. Allele origin: germline.
Comment: This sequence change replaces glutamic acid, which is acidic and polar, with glutamine, which is neutral and polar, at codon 474 of the CFTR protein (p.Glu474Gln). In summary, the available evidence is currently insufficient to determine the role of this variant in disease. Therefore, it has been classified as a Variant of Uncertain Significance. Advanced modeling of protein sequence and biophysical properties (such as structural, functional, and spatial information, amino acid conservation, physicochemical variation, residue mobility, and thermodynamic stability) performed at Invitae indicates that this missense variant is expected to disrupt CFTR protein function. This variant has not been reported in the literature in individuals affected with CFTR-related conditions. This variant is present in population databases (rs756206533, gnomAD 0.003%).

NM_000492.4(CFTR):c.1420G>C (p.Glu474Gln)

Genes: CFTR (CF transmembrane conductance regulator; plus strand), CFTR-AS1 (CFTR antisense RNA 1; minus strand). Cytogenetic location: 7q31.2.
Variant type: single nucleotide variant.
Coding change: c.1420G>C on transcript NM_000492.4 (MANE Select); coding-DNA position 1420, G replaced by C.
Protein change: p.Glu474Gln; replaces glutamic acid 474 with glutamine.
Molecular consequence: missense variant.
Genome position (GRCh38, 1-based): chr7:117,559,491, G>C. VCF-style: chr7-117559491-G-C. GRCh37 (hg19) VCF-style: chr7-117199545-G-C.
Other names: short protein forms E474Q.
Identifiers: ClinVar variation 2902931 (VCV002902931.3), dbSNP rs756206533, ClinGen allele CA4451003.